The following is an entry in ClinVar:

NM_001349338.3(FOXP1):c.294_299dup (p.Ala100_Met101insValAla)

Gene: FOXP1 (forkhead box P1; minus strand). Cytogenetic location: 3p13.
Variant type: Duplication.
Coding change: c.294_299dup on transcript NM_001349338.3 (MANE Select); coding-DNA positions 294 to 299, 6 bases duplicated (AGTGGC; older notation c.294_299dupAGTGGC).
Protein change: p.Ala100_Met101insValAla.
Molecular consequence: inframe insertion. On other transcripts: 5 prime UTR variant (7), non-coding transcript variant (2), intron variant (1).
Genome position (GRCh38, 1-based): chr3:71,053,757-71,053,762, GCCACT duplicated on the plus strand (AGTGGC on the coding strand, the reverse complement: FOXP1 is on the minus strand); duplicating any 6 consecutive bases within chr3:71,053,757-71,053,763 gives the same sequence; the c. name uses the placement nearest the transcript's 3' end. VCF-style (leftmost placement, unchanged base first): chr3-71053756-A-AGCCACT. GRCh37 (hg19) VCF-style: chr3-71102907-A-AGCCACT.
Other names: c.294_299dup, p.Ala100_Met101insValAla (NM_001244808.3, NM_001244810.2, NM_001244814.3 and 4 more transcripts); c.-7_-2dup (NM_001244813.3, NM_001244815.2, NM_001349337.2 and 4 more transcripts); c.283-6667_283-6662dup (NM_001244812.3).
Identifiers: ClinVar variation 5008510 (VCV005008510.1).
Genomic context (GRCh38, chr3:71,053,756, plus strand): 5'-CACTTGTTGCTGGAGGATCTGCTGCATTTGCTGGGGAGTGATAACTTGAGGTGTCATCAT[A>AGCCACT]GCCACTGACACGGGAACCTAGAATGTTAATGAAGGATAAATAGGAAGCCAGGAAATCAGA-3'

ClinVar aggregate classification (germline): Uncertain significance (1 of 4 stars; one submission).

Submission:

GeneDx
Classification: Uncertain significance. Last evaluated: 2026-03-06. Review status: criteria provided, single submitter. Criteria: GeneDx Variant Classification Process June 2021. Collection method: clinical testing. Allele origin: germline.
Comment: Not observed at significant frequency in large population cohorts (gnomAD); In-frame duplication of 2 amino acid(s) in a non-repeat region; Has not been previously published as pathogenic or benign to our knowledge